The following is an entry in ClinVar:

ClinVar aggregate classification (germline): Uncertain significance (1 of 4 stars; one submission).

Conditions:
Rubinstein-Taybi syndrome (RSTS). Identifiers: Orphanet 783, MedGen C0035934, MONDO:0019188.

Submission:

Labcorp Genetics (formerly Invitae), Labcorp
Classification: Uncertain significance for Rubinstein-Taybi syndrome. Last evaluated: 2023-09-01. Review status: criteria provided, single submitter. Criteria: Invitae Variant Classification Sherloc (09022015). Collection method: clinical testing. Allele origin: germline.
Comment: In summary, the available evidence is currently insufficient to determine the role of this variant in disease. Therefore, it has been classified as a Variant of Uncertain Significance. Advanced modeling of protein sequence and biophysical properties (such as structural, functional, and spatial information, amino acid conservation, physicochemical variation, residue mobility, and thermodynamic stability) performed at Invitae indicates that this missense variant is not expected to disrupt CREBBP protein function. This variant has not been reported in the literature in individuals affected with CREBBP-related conditions. This variant is not present in population databases (gnomAD no frequency). This sequence change replaces serine, which is neutral and polar, with proline, which is neutral and non-polar, at codon 247 of the CREBBP protein (p.Ser247Pro).

NM_004380.3(CREBBP):c.739T>C (p.Ser247Pro)

Gene: CREBBP (CREB binding lysine acetyltransferase; minus strand). Cytogenetic location: 16p13.3.
Variant type: single nucleotide variant.
Coding change: c.739T>C on transcript NM_004380.3 (MANE Select); coding-DNA position 739, T replaced by C.
Protein change: p.Ser247Pro; replaces serine 247 with proline.
Molecular consequence: missense variant.
Genome position (GRCh38, 1-based): chr16:3,850,356, A>G on the plus strand (T>C on the coding strand, the complement: CREBBP is on the minus strand). VCF-style: chr16-3850356-A-G. GRCh37 (hg19) VCF-style: chr16-3900357-A-G.
Other names: c.739T>C, p.Ser247Pro (NM_001079846.1); short protein forms S247P.
Identifiers: ClinVar variation 2757263 (VCV002757263.3), dbSNP rs2054804169, ClinGen allele CA394559311.